The following is an entry in ClinVar:

NM_001161352.2(KCNMA1):c.31_34delinsG (p.Ser11_Ser12delinsGly)

Gene: KCNMA1 (potassium calcium-activated channel subfamily M alpha 1; minus strand). Cytogenetic location: 10q22.3.
Variant type: Indel.
Coding change: c.31_34delinsG on transcript NM_001161352.2 (MANE Select); coding-DNA positions 31 to 34, AGCA replaced by G.
Protein change: p.Ser11_Ser12delinsGly.
Molecular consequence: inframe indel.
Genome position (GRCh38, 1-based): chr10:77,637,609-77,637,612, TGCT replaced by C on the plus strand (AGCA replaced by G on the coding strand, the reverse complement: KCNMA1 is on the minus strand). VCF-style: chr10-77637609-TGCT-C. GRCh37 (hg19) VCF-style: chr10-79397367-TGCT-C.
Other names: c.31_34delinsG, p.Ser11_Ser12delinsGly (NM_001322832.2, NM_001322835.2, NM_001322836.2 and 12 more transcripts).
Identifiers: ClinVar variation 464297 (VCV000464297.11), dbSNP rs1555528807, ClinGen allele CA658657971.

ClinVar aggregate classification (germline): Uncertain significance. Review status: criteria provided, multiple submitters, no conflicts (2 of 4 stars). 5 submissions from 5 submitters: Uncertain significance (5). Last evaluated 2026-06-29.

Conditions:
Epilepsy, idiopathic generalized, susceptibility to, 16. Identifiers: MedGen C5231421, MONDO:0032827, OMIM 618596.
Liang-Wang syndrome. Identifiers: Orphanet 664438, MedGen C5231479, MONDO:0032886, OMIM 618729.
Generalized epilepsy-paroxysmal dyskinesia syndrome (PNKD3). Also called: Generalized epilepsy and paroxysmal dyskinesia; Paroxysmal nonkinesigenic dyskinesia, 3, with or without generalized epilepsy. Identifiers: Orphanet 79137, MedGen C5574945, MONDO:0012276, OMIM 609446.
Cerebellar atrophy, developmental delay, and seizures. Identifiers: MedGen C4539985, MONDO:0060551, OMIM 617643.

Submissions (5):

GeneDx
Classification: Uncertain significance. Last evaluated: 2026-06-29. Review status: criteria provided, single submitter. Criteria: GeneDx Variant Classification Process June 2021. Collection method: clinical testing. Allele origin: germline.
Comment: Identified in several individuals in one family with atrial fibrillation and other cardiac arrhythmias , but it has not been reported in association with a KCNMA1-related neurodevelopmental or movement disorder to our knowledge (PMID: 33629867); In-frame deletion of 2 amino acids and insertion of 1 amino acid in a non-repeat region; In silico analysis suggests that this variant does not alter protein structure/function; Not observed at significant frequency in large population cohorts (gnomAD); This variant is associated with the following publications: (PMID: 33629867)

Women's Health and Genetics/Laboratory Corporation of America, LabCorp
Classification: Uncertain significance. Last evaluated: 2024-01-31. Review status: criteria provided, single submitter. Criteria: LabCorp Variant Classification Summary - May 2015. Collection method: clinical testing. Allele origin: germline.
Comment: Variant summary: KCNMA1 c.31_34delinsG (p.Ser11_Ser12delinsGly) results in an in-frame deletion-insertion that is predicted to delete 1 amino acid from the protein and also cause changes in 1 amino acid. The variant was absent in 155796 control chromosomes. The available data on variant occurrences in the general population are insufficient to allow any conclusion about variant significance. c.31_34delinsG has been reported in the literature in at least one family affected with atrial fibrillation (Pineda_2021), however, these report(s) do not provide unequivocal conclusions about association of the variant with Paroxysmal Nonkinesigenic Dyskinesia, 3, With Or Without Generalized Epilepsy. One publication reports experimental evidence demonstrating that the variant may impact protein function in the cardiac conduction system, however, studies evaluating impact on neurological function have not been performed to our knowledge. The following publication have been ascertained in the context of this evaluation (PMID: 33629867). ClinVar contains an entry for this variant (Variation ID: 464297). Based on the evidence outlined above, the variant was classified as uncertain significance.

Fulgent Genetics
Classification: Uncertain significance for Generalized epilepsy-paroxysmal dyskinesia syndrome; Cerebellar atrophy, developmental delay, and seizures; Epilepsy, idiopathic generalized, susceptibility to, 16; Liang-Wang syndrome. Last evaluated: 2022-01-18. Review status: criteria provided, single submitter. Criteria: ACMG Guidelines, 2015. Collection method: clinical testing. Allele origin: unknown.

Labcorp Genetics (formerly Invitae), Labcorp
Classification: Uncertain significance for Generalized epilepsy-paroxysmal dyskinesia syndrome. Last evaluated: 2020-09-03. Review status: criteria provided, single submitter. Criteria: Invitae Variant Classification Sherloc (09022015). Collection method: clinical testing. Allele origin: germline.
Comment: This variant, c.31_34delinsG, results in the deletion of 2 amino acids of the KCNMA1 protein and insertion of 1 amino acid (p.Ser11_Ser12delinsGly) but otherwise preserves the integrity of the reading frame. This variant is reported as two separate entries in the ExAC population database (c.34_36del, 0.03806% and c.31A>G, 0.02472%). However, the frequency information is unreliable, as metrics indicate poor data quality at this position in the ExAC database. This variant has not been reported in the literature in individuals with KCNMA1-related conditions. ClinVar contains an entry for this variant (Variation ID: 464297). Experimental studies and prediction algorithms are not available or were not evaluated for this variant, and the functional significance of the affected amino acid(s) is currently unknown. In summary, the available evidence is currently insufficient to determine the role of this variant in disease. Therefore, it has been classified as a Variant of Uncertain Significance.

Eurofins Ntd Llc (ga)
Classification: Uncertain significance. Last evaluated: 2016-10-03. Review status: criteria provided, single submitter. Criteria: EGL Classification Definitions 2015. Collection method: clinical testing. Allele origin: germline. Observed: 1 variant allele, 1 heterozygote.

Literature cited by the submitters: PubMed 33629867 (cited by Women's Health and Genetics/Laboratory Corporation of America, LabCorp).